The following is an entry in ClinVar:

ClinVar aggregate classification (germline): Uncertain significance (1 of 4 stars; one submission).

Conditions:
Noonan syndrome 4 (NS4). Also called: NOONAN SYNDROME WITH PIGMENTED VILLONODULAR SYNOVITIS; SOS1-Related Noonan Syndrome. Identifiers: Orphanet 648, MedGen C1853120, MONDO:0012547, OMIM 610733.

gnomAD v4.1: 1 of 1,614,056 alleles (0.000062%); highest among the groups gnomAD compares: Non-Finnish European, 0.000085%; no homozygotes.

Submission:

St. Jude Molecular Pathology, St. Jude Children's Research Hospital
Classification: Uncertain significance for Noonan syndrome 4. Last evaluated: 2025-02-05. Review status: criteria provided, single submitter. Criteria: St. Jude Assertion Criteria 2020. Collection method: clinical testing. Allele origin: germline.
Comment: The SOS1 c.3241A>C (p.Asn1081His) missense change is absent in gnomAD v2.1.1. The in silico tool REVEL is inconclusive about a pathogenic or benign effect of this variant on protein function, and to our knowledge functional studies have not been performed. To our knowledge, this variant has not been reported in individuals with Noonan syndrome. In summary, the evidence currently available is insufficient to determine the clinical significance of this variant. It has the refore been classified as of uncertain significance.

NM_005633.4(SOS1):c.3241A>C (p.Asn1081His)

Gene: SOS1 (SOS Ras/Rac guanine nucleotide exchange factor 1; minus strand). Cytogenetic location: 2p22.1.
Variant type: single nucleotide variant.
Coding change: c.3241A>C on transcript NM_005633.4 (MANE Select); coding-DNA position 3241, A replaced by C.
Protein change: p.Asn1081His; replaces asparagine 1081 with histidine.
Molecular consequence: missense variant.
Genome position (GRCh38, 1-based): chr2:38,995,228, T>G on the plus strand (A>C on the coding strand, the complement: SOS1 is on the minus strand). VCF-style: chr2-38995228-T-G. GRCh37 (hg19) VCF-style: chr2-39222369-T-G.
Other names: c.3220A>C, p.Asn1074His (NM_001382394.1); c.3241A>C, p.Asn1081His (NM_001382395.1); short protein forms N1074H, N1081H.
Identifiers: ClinVar variation 3602709 (VCV003602709.1).